The following is an entry in ClinVar:

NM_000179.3(MSH6):c.1887T>C (p.Asp629=)

Gene: MSH6 (mutS homolog 6; plus strand). Cytogenetic location: 2p16.3.
Variant type: single nucleotide variant.
Coding change: c.1887T>C on transcript NM_000179.3 (MANE Select); coding-DNA position 1887, T replaced by C.
Protein change: p.Asp629=; no amino-acid change (aspartic acid 629 retained).
Molecular consequence: synonymous variant.
Genome position (GRCh38, 1-based): chr2:47,799,870, T>C. VCF-style: chr2-47799870-T-C. GRCh37 (hg19) VCF-style: chr2-48027009-T-C.
Other names: c.1497T>C, p.Asp499= (NM_001281492.2); c.981T>C, p.Asp327= (NM_001281493.2, NM_001281494.2).
Identifiers: ClinVar variation 234202 (VCV000234202.16), dbSNP rs876660921, ClinGen allele CA10578082.

ClinVar aggregate classification (germline): Benign/Likely benign. Review status: criteria provided, multiple submitters, no conflicts (2 of 4 stars). 4 submissions from 4 submitters: Benign (1); Likely benign (3). Last evaluated 2024-12-30.

Conditions:
Hereditary nonpolyposis colorectal neoplasms. Identifiers: MedGen C0009405, MeSH D003123.
Lynch syndrome 5 (LYNCH5). Also called: Colorectal cancer, hereditary nonpolyposis, type 5; Hereditary non-polyposis colorectal cancer, type 5. Identifiers: Orphanet 144, MedGen C1833477, MONDO:0013710, OMIM 614350. Disease mechanism: loss of function.
Hereditary cancer-predisposing syndrome. Also called: Neoplastic Syndromes, Hereditary; Tumor predisposition; Hereditary Cancer Syndrome; Hereditary neoplastic syndrome. Identifiers: Orphanet 140162, MedGen C0027672, MeSH D009386, MONDO:0015356.

Allele frequency attached by ClinVar (database versions not stated): gnomAD exomes below 0.00001.
gnomAD v4.1: 1 of 1,614,202 alleles (0.000062%); highest among the groups gnomAD compares: Admixed American, 0.0017%; no homozygotes.

Submissions (4):

Myriad Genetics, Inc.
Classification: Benign for Lynch syndrome 5. Last evaluated: 2024-12-30. Review status: criteria provided, single submitter. Criteria: Myriad Autosomal Dominant, Autosomal Recessive and X-Linked Classification Criteria (2023). Collection method: clinical testing. Allele origin: unknown.
Comment: This variant is considered benign. This variant is a silent/synonymous amino acid change and it is not expected to impact splicing.

Labcorp Genetics (formerly Invitae), Labcorp
Classification: Likely benign for Hereditary nonpolyposis colorectal neoplasms. Last evaluated: 2021-09-18. Review status: criteria provided, single submitter. Criteria: Invitae Variant Classification Sherloc (09022015). Collection method: clinical testing. Allele origin: germline.

Color Diagnostics, LLC DBA Color Health
Classification: Likely benign for Hereditary cancer-predisposing syndrome. Last evaluated: 2020-08-04. Review status: criteria provided, single submitter. Criteria: ACMG Guidelines, 2015. Collection method: clinical testing. Allele origin: germline.

Ambry Genetics
Classification: Likely benign for Hereditary cancer-predisposing syndrome. Last evaluated: 2015-09-24. Review status: criteria provided, single submitter. Criteria: Ambry Variant Classification Scheme 2023. Collection method: clinical testing. Allele origin: germline.